The following is an entry in ClinVar:

ClinVar aggregate classification (germline): Uncertain significance. Review status: criteria provided, multiple submitters, no conflicts (2 of 4 stars). 2 submissions from 2 submitters: Uncertain significance (2). Last evaluated 2025-06-17.

Conditions:
Familial thoracic aortic aneurysm and aortic dissection (TAAD). Also called: Thoracic aortic aneurysms and dissections. Identifiers: Orphanet 91387, MedGen C4707243, MONDO:0019625.
Marfan syndrome (MFS). Also called: MARFAN SYNDROME, TYPE I; Marfan syndrome type 1; Marfan's syndrome; Marfan syndrome, classic; FBN1-Related Marfan Syndrome. Identifiers: Orphanet 284963, Orphanet 558, MedGen C0024796, MONDO:0007947, OMIM 154700.

Submissions (2):

Color Diagnostics, LLC DBA Color Health
Classification: Uncertain significance for Familial thoracic aortic aneurysm and aortic dissection. Last evaluated: 2025-06-17. Review status: criteria provided, single submitter. Criteria: ACMG Guidelines, 2015. Collection method: clinical testing. Allele origin: germline.
Comment: This missense variant replaces tyrosine with serine at codon 1839 of the FBN1 protein. Computational prediction suggests that this variant may have deleterious impact on protein structure and function. To our knowledge, functional studies have not been reported for this variant. This variant has not been reported in individuals affected with FBN1-related disorders in the literature. This variant has not been identified in the general population by the Genome Aggregation Database (gnomAD). The available evidence is insufficient to determine the role of this variant in disease conclusively. Therefore, this variant is classified as a Variant of Uncertain Significance.

Labcorp Genetics (formerly Invitae), Labcorp
Classification: Uncertain significance for Marfan syndrome; Familial thoracic aortic aneurysm and aortic dissection. Last evaluated: 2024-01-06. Review status: criteria provided, single submitter. Criteria: Invitae Variant Classification Sherloc (09022015). Collection method: clinical testing. Allele origin: germline.
Comment: This sequence change replaces tyrosine, which is neutral and polar, with serine, which is neutral and polar, at codon 1839 of the FBN1 protein (p.Tyr1839Ser). This variant is not present in population databases (gnomAD no frequency). This variant has not been reported in the literature in individuals affected with FBN1-related conditions. Advanced modeling of protein sequence and biophysical properties (such as structural, functional, and spatial information, amino acid conservation, physicochemical variation, residue mobility, and thermodynamic stability) performed at Invitae indicates that this missense variant is expected to disrupt FBN1 protein function with a positive predictive value of 95%. In summary, the available evidence is currently insufficient to determine the role of this variant in disease. Therefore, it has been classified as a Variant of Uncertain Significance.

NM_000138.5(FBN1):c.5516A>C (p.Tyr1839Ser)

Gene: FBN1 (fibrillin 1; minus strand). Cytogenetic location: 15q21.1.
Variant type: single nucleotide variant.
Coding change: c.5516A>C on transcript NM_000138.5 (MANE Select); coding-DNA position 5516, A replaced by C.
Protein change: p.Tyr1839Ser; replaces tyrosine 1839 with serine.
Molecular consequence: missense variant.
Genome position (GRCh38, 1-based): chr15:48,452,591, T>G on the plus strand (A>C on the coding strand, the complement: FBN1 is on the minus strand). VCF-style: chr15-48452591-T-G. GRCh37 (hg19) VCF-style: chr15-48744788-T-G.
Other names: c.5516A>C, p.Tyr1839Ser (NM_001406716.1); short protein forms Y1839S.
Identifiers: ClinVar variation 2921989 (VCV002921989.4), dbSNP rs758725993, ClinGen allele CA392344022.